The following is an entry in ClinVar:

NM_004991.4(MECOM):c.3618G>C (p.Lys1206Asn)

Gene: MECOM (MDS1 and EVI1 complex locus; minus strand). Cytogenetic location: 3q26.2.
Variant type: single nucleotide variant.
Coding change: c.3618G>C on transcript NM_004991.4 (MANE Select); coding-DNA position 3618, G replaced by C.
Protein change: p.Lys1206Asn; replaces lysine 1206 with asparagine.
Molecular consequence: missense variant.
Genome position (GRCh38, 1-based): chr3:169,085,011, C>G on the plus strand (G>C on the coding strand, the complement: MECOM is on the minus strand). VCF-style: chr3-169085011-C-G. GRCh37 (hg19) VCF-style: chr3-168802799-C-G.
Other names: c.3249G>C, p.Lys1083Asn (NM_001105077.4); c.3054G>C, p.Lys1018Asn (NM_001105078.4, NM_001205194.2, NM_001366469.2 and 1 more transcripts); c.3030G>C, p.Lys1010Asn (NM_001163999.2, NM_001366470.2); c.3027G>C, p.Lys1009Asn (NM_001164000.2, NM_001366471.2, NM_001366472.2); c.3591G>C, p.Lys1197Asn (NM_001366466.2); c.3057G>C, p.Lys1019Asn (NM_001366467.2, NM_001366468.2); c.2619G>C, p.Lys873Asn (NM_001366473.2); c.2055G>C, p.Lys685Asn (NM_001366474.2); short protein forms K1018N, K1019N, K1197N, K685N, K1010N, K1083N, K1206N, K1009N.
Identifiers: ClinVar variation 4771042 (VCV004771042.1).

ClinVar aggregate classification (germline): Uncertain significance (1 of 4 stars; one submission).

Submission:

Labcorp Genetics (formerly Invitae), Labcorp
Classification: Uncertain significance. Last evaluated: 2026-01-07. Review status: criteria provided, single submitter. Criteria: Invitae Variant Classification Sherloc (09022015). Collection method: clinical testing. Allele origin: germline.
Comment: This sequence change replaces lysine, which is basic and polar, with asparagine, which is neutral and polar, at codon 1018 of the MECOM protein (p.Lys1018Asn). This variant is not present in population databases (gnomAD no frequency). This variant has not been reported in the literature in individuals affected with MECOM-related conditions. An algorithm developed to predict the effect of missense changes on protein structure and function (PolyPhen-2) suggests that this variant is likely to be tolerated. In summary, the available evidence is currently insufficient to determine the role of this variant in disease. Therefore, it has been classified as a Variant of Uncertain Significance.